The following is an entry in ClinVar:

NM_031935.3(HMCN1):c.7109G>A (p.Gly2370Glu)

Gene: HMCN1 (hemicentin 1; plus strand). Cytogenetic location: 1q31.1.
Variant type: single nucleotide variant.
Coding change: c.7109G>A on transcript NM_031935.3 (MANE Select); coding-DNA position 7109, G replaced by A.
Protein change: p.Gly2370Glu; replaces glycine 2370 with glutamic acid.
Molecular consequence: missense variant.
Genome position (GRCh38, 1-based): chr1:186,055,639, G>A. VCF-style: chr1-186055639-G-A. GRCh37 (hg19) VCF-style: chr1-186024771-G-A.
Other names: short protein forms G2370E.
Identifiers: ClinVar variation 2014842 (VCV002014842.4), dbSNP rs1404827864, ClinGen allele CA343902300.

ClinVar aggregate classification (germline): Uncertain significance (1 of 4 stars; one submission).

Allele frequency attached by ClinVar (database versions not stated): TOPMed below 0.00001; gnomAD 0.00001.
gnomAD v4.1: 2 of 1,612,558 alleles (0.00012%); highest among the groups gnomAD compares: Non-Finnish European, 0.00017%; no homozygotes.

Submission:

Labcorp Genetics (formerly Invitae), Labcorp
Classification: Uncertain significance. Last evaluated: 2023-10-03. Review status: criteria provided, single submitter. Criteria: Invitae Variant Classification Sherloc (09022015). Collection method: clinical testing. Allele origin: germline.
Comment: This sequence change replaces glycine, which is neutral and non-polar, with glutamic acid, which is acidic and polar, at codon 2370 of the HMCN1 protein (p.Gly2370Glu). This variant is present in population databases (no rsID available, gnomAD 0.007%). This variant has not been reported in the literature in individuals affected with HMCN1-related conditions. ClinVar contains an entry for this variant (Variation ID: 2014842). An algorithm developed to predict the effect of missense changes on protein structure and function (PolyPhen-2) suggests that this variant is likely to be disruptive. In summary, the available evidence is currently insufficient to determine the role of this variant in disease. Therefore, it has been classified as a Variant of Uncertain Significance.